The following is an entry in ClinVar:

NM_001242896.3(DEPDC5):c.3823G>C (p.Ala1275Pro)

Gene: DEPDC5 (DEP domain containing 5, GATOR1 subcomplex subunit; plus strand). Cytogenetic location: 22q12.3.
Variant type: single nucleotide variant.
Coding change: c.3823G>C on transcript NM_001242896.3 (MANE Select); coding-DNA position 3823, G replaced by C.
Protein change: p.Ala1275Pro; replaces alanine 1275 with proline.
Molecular consequence: missense variant. On other transcripts: non-coding transcript variant (5).
Genome position (GRCh38, 1-based): chr22:31,879,542, G>C. VCF-style: chr22-31879542-G-C. GRCh37 (hg19) VCF-style: chr22-32275528-G-C.
Other names: c.3796G>C, p.Ala1266Pro (NM_001136029.4); c.3523G>C, p.Ala1175Pro (NM_001242897.2); c.3757G>C, p.Ala1253Pro (NM_001363852.2, NM_001364320.2); c.3589G>C, p.Ala1197Pro (NM_001363854.2, NM_001364319.2); c.3823G>C, p.Ala1275Pro (NM_001364318.2); c.3739G>C, p.Ala1247Pro (NM_001369901.1, NM_001369902.1); c.3730G>C, p.Ala1244Pro (NM_001369903.1, NM_014662.6); short protein forms A1175P, A1197P, A1244P, A1247P, A1253P, A1266P, A1275P.
Identifiers: ClinVar variation 1327892 (VCV001327892.6), dbSNP rs1453526282, ClinGen allele CA411281635.
Genomic context (GRCh38, chr22:31,879,542, plus strand): 5'-CATTTGTGTTGAGTACTCCTTCTCTCCCCTCCACTTTTCCCAGTGGCCATGCAGCAGCCC[G>C]CCACCACCTGGCACACAGCAGGAGTGGACGACTTCGCCAGCTTCCAGCGCAAGTGGTTTG-3'
Protein context (NP_001229825.1, residues 1265-1285): EPDRVAMQQP[Ala1275Pro]TTWHTAGVDD

ClinVar aggregate classification (germline): Uncertain significance. Review status: criteria provided, multiple submitters, no conflicts (2 of 4 stars). 3 submissions from 3 submitters: Uncertain significance (3). Last evaluated 2025-10-02.

Conditions:
Familial focal epilepsy with variable foci (FPEVF). Identifiers: Orphanet 98820, MedGen C1858477, MONDO:0020310.
Inborn genetic diseases. Identifiers: MedGen C0950123, MeSH D030342.

Allele frequency attached by ClinVar (database versions not stated): TOPMed 0.00001.
gnomAD v4.1: 2 of 1,610,708 alleles (0.00012%); highest among the groups gnomAD compares: Non-Finnish European, 0.000085%; no homozygotes.

Submissions (3):

Labcorp Genetics (formerly Invitae), Labcorp
Classification: Uncertain significance for Familial focal epilepsy with variable foci. Last evaluated: 2025-10-02. Review status: criteria provided, single submitter. Criteria: Invitae Variant Classification Sherloc (09022015). Collection method: clinical testing. Allele origin: germline.
Comment: This sequence change replaces alanine, which is neutral and non-polar, with proline, which is neutral and non-polar, at codon 1275 of the DEPDC5 protein (p.Ala1275Pro). This variant is not present in population databases (gnomAD no frequency). This variant has not been reported in the literature in individuals affected with DEPDC5-related conditions. ClinVar contains an entry for this variant (Variation ID: 1327892). Experimental studies and prediction algorithms are not available or were not evaluated, and the functional significance of this variant is currently unknown. In summary, the available evidence is currently insufficient to determine the role of this variant in disease. Therefore, it has been classified as a Variant of Uncertain Significance.

Ambry Genetics
Classification: Uncertain significance for Inborn genetic diseases. Last evaluated: 2025-04-01. Review status: criteria provided, single submitter. Criteria: Ambry Variant Classification Scheme 2023. Collection method: clinical testing. Allele origin: germline.

GeneDx
Classification: Uncertain significance. Last evaluated: 2021-06-11. Review status: criteria provided, single submitter. Criteria: GeneDx Variant Classification Process June 2021. Collection method: clinical testing. Allele origin: germline. Affected: yes.
Comment: Has not been previously published as pathogenic or benign to our knowledge; In silico analysis supports that this missense variant does not alter protein structure/function; Not observed at significant frequency in large population cohorts (Lek et al., 2016)